The following is an entry in ClinVar:

ClinVar aggregate classification (germline): Uncertain significance (1 of 4 stars; one submission).

Allele frequency attached by ClinVar (database versions not stated): gnomAD 0.00001; TOPMed 0.00001.
gnomAD v4.1: 3 of 1,613,930 alleles (0.00019%); highest among the groups gnomAD compares: Non-Finnish European, 0.00025%; no homozygotes.

Submission:

Labcorp Genetics (formerly Invitae), Labcorp
Classification: Uncertain significance. Last evaluated: 2022-08-09. Review status: criteria provided, single submitter. Criteria: Invitae Variant Classification Sherloc (09022015). Collection method: clinical testing. Allele origin: germline.
Comment: This sequence change replaces glutamic acid, which is acidic and polar, with alanine, which is neutral and non-polar, at codon 1099 of the TJP2 protein (p.Glu1099Ala). This variant is not present in population databases (gnomAD no frequency). This variant has not been reported in the literature in individuals affected with TJP2-related conditions. Algorithms developed to predict the effect of missense changes on protein structure and function are either unavailable or do not agree on the potential impact of this missense change (SIFT: "Tolerated"; PolyPhen-2: "Probably Damaging"; Align-GVGD: "Class C0"). In summary, the available evidence is currently insufficient to determine the role of this variant in disease. Therefore, it has been classified as a Variant of Uncertain Significance.

NM_004817.4(TJP2):c.3296A>C (p.Glu1099Ala)

Gene: TJP2 (tight junction protein 2; plus strand). Cytogenetic location: 9q21.11.
Variant type: single nucleotide variant.
Coding change: c.3296A>C on transcript NM_004817.4 (MANE Select); coding-DNA position 3296, A replaced by C.
Protein change: p.Glu1099Ala; replaces glutamic acid 1099 with alanine.
Molecular consequence: missense variant. On other transcripts: intron variant (3).
Genome position (GRCh38, 1-based): chr9:69,251,339, A>C. VCF-style: chr9-69251339-A-C. GRCh37 (hg19) VCF-style: chr9-71866255-A-C.
Other names: c.3197A>C, p.Glu1066Ala (NM_001170415.1); c.3389A>C, p.Glu1130Ala (NM_001170416.2); c.3221A>C, p.Glu1074Ala (NM_001369870.1); c.3227A>C, p.Glu1076Ala (NM_001369871.1); c.3185A>C, p.Glu1062Ala (NM_001369872.1); c.2972A>C, p.Glu991Ala (NM_001369873.1); c.3308A>C, p.Glu1103Ala (NM_001369875.1); c.2812-1476A>C (NM_001170414.2); and 2 more; short protein forms E1066A, E1074A, E1099A, E1130A, E991A, E1062A, E1076A, E1103A.
Identifiers: ClinVar variation 1977924 (VCV001977924.2), dbSNP rs1563963391, ClinGen allele CA373542383.
Genomic context (GRCh38, chr9:69,251,339, plus strand): 5'-TGGGCAAAGTCAAAATATTTGAGAAGATGGATCACAAGGCCAGGTTACAGAGAATGCAGG[A>C]GCTCCAGGAAGCACAGAATGCAAGGGTAATTGTTTTTAAACTACACATCATCAATAAGAG-3'
Protein context (NP_004808.2, residues 1089-1109): DHKARLQRMQ[Glu1099Ala]LQEAQNARIE